The following is an entry in ClinVar:

NM_001170629.2(CHD8):c.1562C>T (p.Thr521Ile)

Gene: CHD8 (chromodomain helicase DNA binding protein 8; minus strand). Cytogenetic location: 14q11.2.
Variant type: single nucleotide variant.
Coding change: c.1562C>T on transcript NM_001170629.2 (MANE Select); coding-DNA position 1562, C replaced by T.
Protein change: p.Thr521Ile; replaces threonine 521 with isoleucine.
Molecular consequence: missense variant.
Genome position (GRCh38, 1-based): chr14:21,427,908, G>A on the plus strand (C>T on the coding strand, the complement: CHD8 is on the minus strand). VCF-style: chr14-21427908-G-A. GRCh37 (hg19) VCF-style: chr14-21896067-G-A.
Other names: c.725C>T, p.Thr242Ile (NM_020920.4); short protein forms T242I, T521I.
Identifiers: ClinVar variation 589137 (VCV000589137.10), dbSNP rs779470673, ClinGen allele CA7091762.
Genomic context (GRCh38, chr14:21,427,908, plus strand): 5'-ACAGTAGCAAGGAGTACTCACTTGAGCTTGCTCTTGCCCTTTGTTTTGGAGGCACCAGAT[G>A]TTTTACTCTTCTTTGGCTTCTCCTCTTTCAGCCTCTCCCCAGCACTCTTCTTCCTGCGTT-3'
Protein context (NP_001164100.1, residues 511-531): LKEEKPKKSK[Thr521Ile]SGASKTKGKS

ClinVar aggregate classification (germline): Conflicting classifications of pathogenicity. Review status: criteria provided, conflicting classifications (1 of 4 stars). 2 submissions from 2 submitters: Uncertain significance (1); Likely benign (1). Last evaluated 2025-12-16.

Conditions:
Inborn genetic diseases. Identifiers: MedGen C0950123, MeSH D030342.

Allele frequency attached by ClinVar (database versions not stated): gnomAD exomes 0.00002 and below 0.00001; TOPMed below 0.00001; ExAC 0.00002.
gnomAD v4.1: 5 of 1,614,062 alleles (0.00031%); highest among the groups gnomAD compares: Admixed American, 0.0067%; no homozygotes.

Submissions (2):

Labcorp Genetics (formerly Invitae), Labcorp
Classification: Likely benign. Last evaluated: 2025-12-16. Review status: criteria provided, single submitter. Criteria: Invitae Variant Classification Sherloc (09022015). Collection method: clinical testing. Allele origin: germline.

Ambry Genetics
Classification: Uncertain significance for Inborn genetic diseases. Last evaluated: 2017-05-31. Review status: criteria provided, single submitter. Criteria: Ambry Variant Classification Scheme 2023. Collection method: clinical testing. Allele origin: germline.
Comment: The p.T521I variant (also known as c.1562C>T), located in coding exon 3 of the CHD8 gene, results from a C to T substitution at nucleotide position 1562. The threonine at codon 521 is replaced by isoleucine, an amino acid with similar properties. This amino acid position is not well conserved in available vertebrate species. In addition, this alteration is predicted to be tolerated by in silico analysis. Since supporting evidence is limited at this time, the clinical significance of this alteration remains unclear.